The following is an entry in ClinVar:

ClinVar aggregate classification (germline): Uncertain significance. Review status: criteria provided, multiple submitters, no conflicts (2 of 4 stars). 8 submissions from 8 submitters: Uncertain significance (7). 1 of the submissions does not count toward it. Last evaluated 2025-06-10.

Conditions:
Hereditary spastic paraplegia 49 (HSAN9). Also called: NEUROPATHY, HEREDITARY SENSORY AND AUTONOMIC, TYPE IX, WITH DEVELOPMENTAL DELAY; TECPR2-Related Hereditary Sensory and Autonomic Neuropathy with Intellectual Disability; Spastic paraplegia 49, autosomal recessive. Identifiers: Orphanet 320385, MedGen C5190860, MONDO:0014016, OMIM 615031.
Hereditary spastic paraplegia. Also called: Familial spastic paraparesis. Identifiers: Orphanet 685, MedGen C0037773, MONDO:0019064. Disease mechanism: loss of function.
Inherited spastic paresis.
Inborn genetic diseases. Identifiers: MedGen C0950123, MeSH D030342.

Allele frequency attached by ClinVar (database versions not stated): ExAC 0.00023; gnomAD exomes 0.00027 and 0.00030; gnomAD 0.00032; TOPMed 0.00042.
gnomAD v4.1: 490 of 1,614,186 alleles (0.03%); highest among the groups gnomAD compares: Admixed American, 0.075%; no homozygotes.

Submissions (8):

Women's Health and Genetics/Laboratory Corporation of America, LabCorp
Classification: Uncertain significance. Last evaluated: 2025-06-10. Review status: criteria provided, single submitter. Criteria: LabCorp Variant Classification Summary - May 2015. Collection method: clinical testing. Allele origin: germline.
Comment: Variant summary: TECPR2 c.3386C>A (p.Ser1129Tyr) results in a non-conservative amino acid change in the encoded protein sequence. Algorithms developed to predict the effect of missense changes on protein structure and function are either unavailable or do not agree on the potential impact of this missense change. The variant allele was found at a frequency of 0.00027 in 251444 control chromosomes. This frequency is not significantly higher than estimated for a pathogenic variant in TECPR2 causing Hereditary spastic paraplegia 49 (0.00027 vs 0.0011), allowing no conclusion about variant significance. To our knowledge, no occurrence of c.3386C>A in individuals affected with Hereditary spastic paraplegia 49 and no experimental evidence demonstrating its impact on protein function have been reported. ClinVar contains an entry for this variant (Variation ID: 540301). Based on the evidence outlined above, the variant was classified as uncertain significance.

Labcorp Genetics (formerly Invitae), Labcorp
Classification: Uncertain significance for Hereditary spastic paraplegia 49. Last evaluated: 2024-12-23. Review status: criteria provided, single submitter. Criteria: Invitae Variant Classification Sherloc (09022015). Collection method: clinical testing. Allele origin: germline.
Comment: This sequence change replaces serine, which is neutral and polar, with tyrosine, which is neutral and polar, at codon 1129 of the TECPR2 protein (p.Ser1129Tyr). This variant is present in population databases (rs139247564, gnomAD 0.06%). This variant has not been reported in the literature in individuals affected with TECPR2-related conditions. ClinVar contains an entry for this variant (Variation ID: 540301). An algorithm developed to predict the effect of missense changes on protein structure and function (PolyPhen-2) suggests that this variant is likely to be disruptive. In summary, the available evidence is currently insufficient to determine the role of this variant in disease. Therefore, it has been classified as a Variant of Uncertain Significance.

Blueprint Genetics
Classification: Uncertain significance. Last evaluated: 2024-10-16. Review status: criteria provided, single submitter. Criteria: ACMG Guidelines, 2015. Collection method: clinical testing. Allele origin: germline.

Mayo Clinic Laboratories, Mayo Clinic
Classification: Uncertain significance. Last evaluated: 2024-04-24. Review status: criteria provided, single submitter. Criteria: ACMG Guidelines, 2015. Collection method: clinical testing. Allele origin: germline. Observed: 1 variant allele.

Ambry Genetics
Classification: Uncertain significance for Inborn genetic diseases. Last evaluated: 2022-01-26. Review status: criteria provided, single submitter. Criteria: Ambry Variant Classification Scheme 2023. Collection method: clinical testing. Allele origin: germline.

Fulgent Genetics
Classification: Uncertain significance for Hereditary spastic paraplegia 49. Last evaluated: 2021-07-25. Review status: criteria provided, single submitter. Criteria: ACMG Guidelines, 2015. Collection method: clinical testing. Allele origin: unknown.

Genome Diagnostics Laboratory, The Hospital for Sick Children
Classification: Uncertain significance for Hereditary spastic paraplegia. Last evaluated: 2016-12-12. Review status: criteria provided, single submitter. Criteria: ACMG Guidelines, 2015. Collection method: clinical testing. Allele origin: germline. Affected: yes.

Natera, Inc.
Classification: Uncertain significance for Inherited spastic paresis. Last evaluated: 2020-09-16. Review status: no assertion criteria provided. Collection method: clinical testing. Allele origin: germline. Not counted in ClinVar's aggregate classification.

Literature cited by the submitters: PubMed 29908077 (cited by Ambry Genetics).

NM_014844.5(TECPR2):c.3386C>A (p.Ser1129Tyr)

Gene: TECPR2 (tectonin beta-propeller repeat containing 2; plus strand). Cytogenetic location: 14q32.31.
Variant type: single nucleotide variant.
Coding change: c.3386C>A on transcript NM_014844.5 (MANE Select); coding-DNA position 3386, C replaced by A.
Protein change: p.Ser1129Tyr; replaces serine 1129 with tyrosine.
Molecular consequence: missense variant.
Genome position (GRCh38, 1-based): chr14:102,450,629, C>A. VCF-style: chr14-102450629-C-A. GRCh37 (hg19) VCF-style: chr14-102916966-C-A.
Other names: p.Ser1129Tyr; c.3386C>A, p.Ser1129Tyr (NM_001172631.3); c.3386C>A (NM_014844.4); short protein forms S1129Y.
Identifiers: ClinVar variation 540301 (VCV000540301.14), dbSNP rs139247564, ClinGen allele CA7358207.
Genomic context (GRCh38, chr14:102,450,629, plus strand): 5'-GGAATCATGTGGTTCCCCGTGGGACAGCTTCTGCTACAAAATGGGCCTTTGTGTTGGCTT[C>A]TGCAGCTCCCACGAAGGAAGGTGGGTCAGTCTTAGCCTCACTGAAGAATCTAGAGCACAG-3'
Protein context (NP_055659.2, residues 1119-1139): SATKWAFVLA[Ser1129Tyr]AAPTKEGSFL